The following is an entry in ClinVar:

NM_025145.7(CFAP43):c.687A>G (p.Pro229=)

Gene: CFAP43 (cilia and flagella associated protein 43; minus strand). Cytogenetic location: 10q25.1.
Variant type: single nucleotide variant.
Coding change: c.687A>G on transcript NM_025145.7 (MANE Select); coding-DNA position 687, A replaced by G.
Protein change: p.Pro229=; no amino-acid change (proline 229 retained).
Molecular consequence: synonymous variant.
Genome position (GRCh38, 1-based): chr10:104,212,055, T>C on the plus strand (A>G on the coding strand, the complement: CFAP43 is on the minus strand). VCF-style: chr10-104212055-T-C. GRCh37 (hg19) VCF-style: chr10-105971813-T-C.
Identifiers: ClinVar variation 3388953 (VCV003388953.14).
Genomic context (GRCh38, chr10:104,212,055, plus strand): 5'-CCAGGTAATTACCCGGAAAGTCTCTGCCTCTTTGCCTACCAGCCCGGCAATGGCTGACAG[T>C]GGCAGCACGGGACCATAGATGAGATCTTTCGGCAACGACTGGGGGAAAACGACATCCGTT-3'
Protein context (NP_079421.5, residues 219-239): PKDLIYGPVL[Pro229=]LSAIAGLVGK

ClinVar aggregate classification (germline): Likely benign (1 of 4 stars; one submission).

gnomAD v4.1: 7 of 1,613,416 alleles (0.00043%); highest among the groups gnomAD compares: Admixed American, 0.0033%; no homozygotes.

Submission:

CeGaT Center for Human Genetics Tuebingen
Classification: Likely benign. Last evaluated: 2024-09-01. Review status: criteria provided, single submitter. Criteria: CeGaT Center For Human Genetics Tuebingen Variant Classification Criteria Version 2. Collection method: clinical testing. Allele origin: germline. Affected: yes. Observed: 1 variant allele.
Comment: CFAP43: BP4, BP7